The following is an entry in ClinVar:

NM_004006.3(DMD):c.1324C>G (p.Gln442Glu)

Gene: DMD (dystrophin; minus strand). Cytogenetic location: Xp21.1.
Variant type: single nucleotide variant.
Coding change: c.1324C>G on transcript NM_004006.3 (MANE Select); coding-DNA position 1324, C replaced by G.
Protein change: p.Gln442Glu; replaces glutamine 442 with glutamic acid.
Molecular consequence: missense variant.
Genome position (GRCh38, 1-based): chrX:32,644,139, G>C on the plus strand (C>G on the coding strand, the complement: DMD is on the minus strand). VCF-style: chrX-32644139-G-C. GRCh37 (hg19) VCF-style: chrX-32662256-G-C.
Other names: c.1300C>G, p.Gln434Glu (NM_000109.4); c.1312C>G, p.Gln438Glu (NM_004009.3); c.955C>G, p.Gln319Glu (NM_004010.3); short protein forms Q434E, Q438E, Q319E, Q442E.
Identifiers: ClinVar variation 2695695 (VCV002695695.3), dbSNP rs863224979, ClinGen allele CA412660833.
Genomic context (GRCh38, chrX:32,644,139, plus strand): 5'-ACAAGCTTCCAAAACTTGTTAGTCTTCTTAATTAAAAACAAATAAGGACTTACTTGCTTT[G>C]TTTTTCCATGCTAGCTACCCTGAGGCATTCCCATCTTGAATTTAGGAGATTCATCTGCTC-3'
Protein context (NP_003997.2, residues 432-452): ECLRVASMEK[Gln442Glu]SNLHRVLMDL

ClinVar aggregate classification (germline): Uncertain significance (1 of 4 stars; one submission).

Conditions:
Duchenne muscular dystrophy (DMD). Also called: MUSCULAR DYSTROPHY, PSEUDOHYPERTROPHIC PROGRESSIVE, DUCHENNE TYPE; Duchenne Muscular Dystrophy (DMD). Identifiers: Orphanet 98896, MedGen C0013264, MONDO:0010679, OMIM 310200.

Allele frequency attached by ClinVar (database versions not stated): gnomAD exomes below 0.00001.
gnomAD v4.1: 1 of 1,206,210 alleles (0.000083%); highest among the groups gnomAD compares: East Asian, 0.003%; no homozygotes.

Submission:

Labcorp Genetics (formerly Invitae), Labcorp
Classification: Uncertain significance for Duchenne muscular dystrophy. Last evaluated: 2023-11-13. Review status: criteria provided, single submitter. Criteria: Invitae Variant Classification Sherloc (09022015). Collection method: clinical testing. Allele origin: germline.
Comment: This sequence change replaces glutamine, which is neutral and polar, with glutamic acid, which is acidic and polar, at codon 442 of the DMD protein (p.Gln442Glu). This variant is present in population databases (no rsID available, gnomAD 0.008%). This variant has not been reported in the literature in individuals affected with DMD-related conditions. Advanced modeling of protein sequence and biophysical properties (such as structural, functional, and spatial information, amino acid conservation, physicochemical variation, residue mobility, and thermodynamic stability) performed at Invitae indicates that this missense variant is not expected to disrupt DMD protein function with a negative predictive value of 95%. In summary, the available evidence is currently insufficient to determine the role of this variant in disease. Therefore, it has been classified as a Variant of Uncertain Significance.